The following is an entry in ClinVar:

NM_005012.4(ROR1):c.2786C>G (p.Thr929Ser)

Gene: ROR1 (receptor tyrosine kinase like orphan receptor 1; plus strand). Cytogenetic location: 1p31.3.
Variant type: single nucleotide variant.
Coding change: c.2786C>G on transcript NM_005012.4 (MANE Select); coding-DNA position 2786, C replaced by G.
Protein change: p.Thr929Ser; replaces threonine 929 with serine.
Molecular consequence: missense variant.
Genome position (GRCh38, 1-based): chr1:64,178,827, C>G. VCF-style: chr1-64178827-C-G. GRCh37 (hg19) VCF-style: chr1-64644510-C-G.
Other names: short protein forms T929S.
Identifiers: ClinVar variation 1926737 (VCV001926737.5), dbSNP rs1024769042, ClinGen allele CA23842368.
Genomic context (GRCh38, chr1:64,178,827, plus strand): 5'-CCTACAAAATTGACTCAAAGCAAGCATCTTTACTAGGAGACGCCAATATTCATGGACACA[C>G]CGAATCTATGATTTCTGCAGAACTGTAAAATGCACAACTTTTGTAAATGTGGTATACAGG-3'
Protein context (NP_005003.2, residues 919-937): LLGDANIHGH[Thr929Ser]ESMISAEL

ClinVar aggregate classification (germline): Uncertain significance (1 of 4 stars; one submission).

Allele frequency attached by ClinVar (database versions not stated): gnomAD exomes 0.00001; gnomAD 0.00003.
gnomAD v4.1: 15 of 1,613,350 alleles (0.00093%); highest among the groups gnomAD compares: East Asian, 0.0022%; no homozygotes.

Submission:

Labcorp Genetics (formerly Invitae), Labcorp
Classification: Uncertain significance. Last evaluated: 2023-04-07. Review status: criteria provided, single submitter. Criteria: Invitae Variant Classification Sherloc (09022015). Collection method: clinical testing. Allele origin: germline.
Comment: In summary, the available evidence is currently insufficient to determine the role of this variant in disease. Therefore, it has been classified as a Variant of Uncertain Significance. Algorithms developed to predict the effect of missense changes on protein structure and function output the following: SIFT: "Not Available"; PolyPhen-2: "Benign"; Align-GVGD: "Not Available". The serine amino acid residue is found in multiple mammalian species, which suggests that this missense change does not adversely affect protein function. ClinVar contains an entry for this variant (Variation ID: 1926737). This variant has not been reported in the literature in individuals affected with ROR1-related conditions. This variant is present in population databases (no rsID available, gnomAD 0.0009%). This sequence change replaces threonine, which is neutral and polar, with serine, which is neutral and polar, at codon 929 of the ROR1 protein (p.Thr929Ser).